The following is an entry in ClinVar:

NM_000059.4(BRCA2):c.7376A>G (p.Lys2459Arg)

Gene: BRCA2 (BRCA2 DNA repair associated; plus strand). Cytogenetic location: 13q13.1.
Variant type: single nucleotide variant.
Coding change: c.7376A>G on transcript NM_000059.4 (MANE Select); coding-DNA position 7376, A replaced by G.
Protein change: p.Lys2459Arg; replaces lysine 2459 with arginine.
Molecular consequence: missense variant.
Genome position (GRCh38, 1-based): chr13:32,355,229, A>G. VCF-style: chr13-32355229-A-G. GRCh37 (hg19) VCF-style: chr13-32929366-A-G.
Other names: short protein forms K2459R.
Identifiers: ClinVar variation 489782 (VCV000489782.24), dbSNP rs553984945, ClinGen allele CA6941086.

ClinVar aggregate classification (germline): Uncertain significance. Review status: criteria provided, multiple submitters, no conflicts (2 of 4 stars). 6 submissions from 6 submitters: Uncertain significance (5). 1 of the submissions does not count toward it. Last evaluated 2025-10-23.

Conditions:
Hereditary breast ovarian cancer syndrome. Also called: Hereditary breast and ovarian cancer; Hereditary breast and ovarian cancer syndrome (HBOC); BRCA1- and BRCA2-Associated Hereditary Breast and Ovarian Cancer; Breast and ovarian cancer; Hereditary breast and ovarian cancer syndrome; Hereditary breast and/or ovarian cancer syndrome. Identifiers: Orphanet 145, MedGen C0677776, MeSH D061325, MONDO:0003582. Disease mechanism: loss of function.
Hereditary cancer-predisposing syndrome. Also called: Tumor predisposition; Neoplastic Syndromes, Hereditary; Hereditary Cancer Syndrome; Hereditary neoplastic syndrome. Identifiers: Orphanet 140162, MedGen C0027672, MeSH D009386, MONDO:0015356.
Breast-ovarian cancer, familial, susceptibility to, 2 (BROVCA2). Also called: BRCA2 Hereditary Breast and Ovarian Cancer. Identifiers: Orphanet 145, MedGen C2675520, MONDO:0012933, OMIM 612555. Disease mechanism: loss of function.

Allele frequency attached by ClinVar (database versions not stated): gnomAD exomes below 0.00001 and 0.00002; gnomAD 0.00001; TOPMed 0.00001; ExAC 0.00002; 1000 Genomes Project 30x 0.00016; 1000 Genomes Project 0.00020.
gnomAD v4.1: 6 of 1,613,020 alleles (0.00037%); highest among the groups gnomAD compares: South Asian, 0.0066%; no homozygotes.

Submissions (6):

Ambry Genetics
Classification: Uncertain significance for Hereditary cancer-predisposing syndrome. Last evaluated: 2025-10-23. Review status: criteria provided, single submitter. Criteria: Ambry Variant Classification Scheme 2023. Collection method: clinical testing. Allele origin: germline.
Comment: The p.K2459R variant (also known as c.7376A>G), located in coding exon 13 of the BRCA2 gene, results from an A to G substitution at nucleotide position 7376. The lysine at codon 2459 is replaced by arginine, an amino acid with highly similar properties. This amino acid position is well conserved in available vertebrate species. In addition, this alteration is predicted to be tolerated by in silico analysis. Since supporting evidence is limited at this time, the clinical significance of this alteration remains unclear.

GeneDx
Classification: Uncertain significance. Last evaluated: 2025-07-17. Review status: criteria provided, single submitter. Criteria: GeneDx Variant Classification Process June 2021. Collection method: clinical testing. Allele origin: germline. Affected: yes.
Comment: In silico analysis suggests that this missense variant does not alter protein structure/function; Also known as 7604A>G; This variant is associated with the following publications: (PMID: 33471991)

St. Jude Molecular Pathology, St. Jude Children's Research Hospital
Classification: Uncertain significance for Breast-ovarian cancer, familial, susceptibility to, 2. Last evaluated: 2025-06-17. Review status: criteria provided, single submitter. Criteria: St. Jude Assertion Criteria 2020. Collection method: clinical testing. Allele origin: germline.
Comment: The BRCA2 c.7376A>G p.(Lys2459Arg) missense change has a maximum subpopulation frequency of 0.01% in gnomAD v2.1.1. The in silico tool REVEL predicts a benign effect on protein function, but to our knowledge this prediction has not been confirmed by functional studies. To our knowledge, this variant has not been reported in individuals with BRCA2-related disease. In summary, the evidence currently available is insufficient to determine the clinical significance of this variant. It has therefore been classified as of uncertain significance.

Labcorp Genetics (formerly Invitae), Labcorp
Classification: Uncertain significance for Hereditary breast ovarian cancer syndrome. Last evaluated: 2025-01-02. Review status: criteria provided, single submitter. Criteria: Invitae Variant Classification Sherloc (09022015). Collection method: clinical testing. Allele origin: germline.
Comment: This sequence change replaces lysine, which is basic and polar, with arginine, which is basic and polar, at codon 2459 of the BRCA2 protein (p.Lys2459Arg). This variant is present in population databases (rs553984945, gnomAD 0.01%). This variant has not been reported in the literature in individuals affected with BRCA2-related conditions. ClinVar contains an entry for this variant (Variation ID: 489782). Invitae Evidence Modeling of protein sequence and biophysical properties (such as structural, functional, and spatial information, amino acid conservation, physicochemical variation, residue mobility, and thermodynamic stability) indicates that this missense variant is not expected to disrupt BRCA2 protein function with a negative predictive value of 95%. In summary, the available evidence is currently insufficient to determine the role of this variant in disease. Therefore, it has been classified as a Variant of Uncertain Significance.

Color Diagnostics, LLC DBA Color Health
Classification: Uncertain significance for Hereditary cancer-predisposing syndrome. Last evaluated: 2021-11-17. Review status: criteria provided, single submitter. Criteria: ACMG Guidelines, 2015. Collection method: clinical testing. Allele origin: germline.
Comment: This missense variant replaces lysine with arginine at codon 2459 of the BRCA2 protein. Computational prediction suggests that this variant may not impact protein structure and function (internally defined REVEL score threshold <= 0.5, PMID: 27666373). To our knowledge, functional studies have not been reported for this variant. This variant has been detected in a breast cancer case-control meta-analysis in 0/60463 cases and 1/53461 unaffected individuals (PMID: 33471991; Leiden Open Variation Database DB-ID BRCA2_002986). This variant has been identified in 4/251086 chromosomes in the general population by the Genome Aggregation Database (gnomAD). The available evidence is insufficient to determine the role of this variant in disease conclusively. Therefore, this variant is classified as a Variant of Uncertain Significance.

Department of Pathology and Laboratory Medicine, Sinai Health System
Classification: Uncertain significance. Review status: no assertion criteria provided. Collection method: clinical testing. Allele origin: unknown. Affected: yes. Observed: 1 variant allele. Study: The Canadian Open Genetics Repository (COGR). Not counted in ClinVar's aggregate classification.

Literature cited by the submitters: PubMed 33471991 (cited by Color Diagnostics, LLC DBA Color Health).